The following is an entry in ClinVar:

NM_004304.5(ALK):c.3592C>A (p.Leu1198Ile)

Gene: ALK (ALK receptor tyrosine kinase; minus strand). Cytogenetic location: 2p23.2.
Variant type: single nucleotide variant.
Coding change: c.3592C>A on transcript NM_004304.5 (MANE Select); coding-DNA position 3592, C replaced by A.
Protein change: p.Leu1198Ile; replaces leucine 1198 with isoleucine.
Molecular consequence: missense variant.
Genome position (GRCh38, 1-based): chr2:29,220,759, G>T on the plus strand (C>A on the coding strand, the complement: ALK is on the minus strand). VCF-style: chr2-29220759-G-T. GRCh37 (hg19) VCF-style: chr2-29443625-G-T.
Other names: c.388C>A, p.Leu130Ile (NM_001353765.2); short protein forms L1198I, L130I.
Identifiers: ClinVar variation 946161 (VCV000946161.13), dbSNP rs751306825, ClinGen allele CA1593858.

ClinVar aggregate classification (germline): Uncertain significance. Review status: criteria provided, multiple submitters, no conflicts (2 of 4 stars). 2 submissions from 2 submitters: Uncertain significance (2). Last evaluated 2025-10-28.

Conditions:
Hereditary cancer-predisposing syndrome. Also called: Neoplastic Syndromes, Hereditary; Hereditary neoplastic syndrome; Hereditary Cancer Syndrome; Tumor predisposition. Identifiers: Orphanet 140162, MedGen C0027672, MeSH D009386, MONDO:0015356.
Neuroblastoma, susceptibility to, 3. Also called: ALK-Related Neuroblastic Tumor Susceptibility. Identifiers: Orphanet 635, MedGen C2751681, MONDO:0013083, OMIM 613014.

Allele frequency attached by ClinVar (database versions not stated): gnomAD exomes below 0.00001; ExAC 0.00001; TOPMed 0.00002.

Submissions (2):

Labcorp Genetics (formerly Invitae), Labcorp
Classification: Uncertain significance for Neuroblastoma, susceptibility to, 3. Last evaluated: 2025-10-28. Review status: criteria provided, single submitter. Criteria: Invitae Variant Classification Sherloc (09022015). Collection method: clinical testing. Allele origin: germline.
Comment: This sequence change replaces leucine, which is neutral and non-polar, with isoleucine, which is neutral and non-polar, at codon 1198 of the ALK protein (p.Leu1198Ile). This variant is present in population databases (rs751306825, gnomAD 0.006%). This variant has not been reported in the literature in individuals affected with ALK-related conditions. ClinVar contains an entry for this variant (Variation ID: 946161). An algorithm developed to predict the effect of missense changes on protein structure and function (PolyPhen-2) suggests that this variant is likely to be disruptive. In summary, the available evidence is currently insufficient to determine the role of this variant in disease. Therefore, it has been classified as a Variant of Uncertain Significance.

Ambry Genetics
Classification: Uncertain significance for Hereditary cancer-predisposing syndrome. Last evaluated: 2024-11-14. Review status: criteria provided, single submitter. Criteria: Ambry Variant Classification Scheme 2023. Collection method: clinical testing. Allele origin: germline.
Comment: The p.L1198I variant (also known as c.3592C>A), located in coding exon 23 of the ALK gene, results from a C to A substitution at nucleotide position 3592. The leucine at codon 1198 is replaced by isoleucine, an amino acid with highly similar properties. This amino acid position is highly conserved in available vertebrate species. In addition, this alteration is predicted to be deleterious by in silico analysis. Since supporting evidence is limited at this time, the clinical significance of this alteration remains unclear.